The following is an entry in ClinVar:

ClinVar aggregate classification (germline): Uncertain significance (1 of 4 stars; one submission).

Submission:

Labcorp Genetics (formerly Invitae), Labcorp
Classification: Uncertain significance. Last evaluated: 2025-09-02. Review status: criteria provided, single submitter. Criteria: Invitae Variant Classification Sherloc (09022015). Collection method: clinical testing. Allele origin: germline.
Comment: This sequence change replaces leucine, which is neutral and non-polar, with arginine, which is basic and polar, at codon 100 of the USH2A protein (p.Leu100Arg). This variant is not present in population databases (gnomAD no frequency). This missense change has been observed in individual(s) with USH2A-related conditions (internal data). In at least one individual the data is consistent with being in trans (on the opposite chromosome) from a pathogenic variant. Invitae Evidence Modeling of protein sequence and biophysical properties (such as structural, functional, and spatial information, amino acid conservation, physicochemical variation, residue mobility, and thermodynamic stability) indicates that this missense variant is not expected to disrupt USH2A protein function with a negative predictive value of 95%. In summary, the available evidence is currently insufficient to determine the role of this variant in disease. Therefore, it has been classified as a Variant of Uncertain Significance.

NM_206933.4(USH2A):c.299T>G (p.Leu100Arg)

Gene: USH2A (usherin; minus strand). Cytogenetic location: 1q41.
Variant type: single nucleotide variant.
Coding change: c.299T>G on transcript NM_206933.4 (MANE Select); coding-DNA position 299, T replaced by G.
Protein change: p.Leu100Arg; replaces leucine 100 with arginine.
Molecular consequence: missense variant.
Genome position (GRCh38, 1-based): chr1:216,422,038, A>C on the plus strand (T>G on the coding strand, the complement: USH2A is on the minus strand). VCF-style: chr1-216422038-A-C. GRCh37 (hg19) VCF-style: chr1-216595380-A-C.
Other names: c.299T>G, p.Leu100Arg (NM_007123.6); short protein forms L100R.
Identifiers: ClinVar variation 4697976 (VCV004697976.1).